The following is an entry in ClinVar:

NM_022132.5(MCCC2):c.1423G>A (p.Gly475Arg)

Gene: MCCC2 (methylcrotonyl-CoA carboxylase subunit 2; plus strand). Cytogenetic location: 5q13.2.
Variant type: single nucleotide variant.
Coding change: c.1423G>A on transcript NM_022132.5 (MANE Select); coding-DNA position 1423, G replaced by A.
Protein change: p.Gly475Arg; replaces glycine 475 with arginine.
Molecular consequence: missense variant.
Genome position (GRCh38, 1-based): chr5:71,650,118, G>A. VCF-style: chr5-71650118-G-A. GRCh37 (hg19) VCF-style: chr5-70945945-G-A.
Other names: c.1309G>A, p.Gly437Arg (NM_001363147.1); short protein forms G475R, G437R.
Identifiers: ClinVar variation 467803 (VCV000467803.30), dbSNP rs148773718, ClinGen allele CA3298144.
Genomic context (GRCh38, chr5:71,650,118, plus strand): 5'-TCTTCCCCCAGCCCAAGATTTCTCTACATTTGGCCAAATGCTCGTATCTCAGTGATGGGA[G>A]GAGAGCAGGCAGCCAATGTGTTGGCCACGATAACAAAGGACCAAAGAGCCCGGGAAGGAA-3'
Protein context (NP_071415.1, residues 465-485): WPNARISVMG[Gly475Arg]EQAANVLATI

ClinVar aggregate classification (germline): Conflicting classifications of pathogenicity. Review status: criteria provided, conflicting classifications (1 of 4 stars). 13 submissions from 13 submitters: Pathogenic (3); Likely pathogenic (8); Uncertain significance (1). 1 of the submissions does not count toward it. Last evaluated 2026-05-28.

Conditions:
3-methylcrotonyl-CoA carboxylase 2 deficiency. Also called: 3 alpha methylcrotonyl-CoA carboxylase 2 deficiency; 3 alpha methylcrotonylglycinuria 2; MCC 2 deficiency; Methylcrotonylglycinuria type 2; METHYLCROTONYLGLYCINURIA, TYPE II. Identifiers: Orphanet 6, MedGen C1859499, MONDO:0008862, OMIM 210210.
MCCC2-related disorder. Also called: MCCC2-related condition.
Inborn genetic diseases. Identifiers: MedGen C0950123, MeSH D030342.
Methylcrotonyl-CoA carboxylase deficiency. Also called: 3 Methylcrotonylglycinuria; 3-MCC Deficiency; Deficiency of methylcrotonoyl-CoA carboxylase. Identifiers: Orphanet 6, MedGen C4551505, MONDO:0018950.

Allele frequency attached by ClinVar (database versions not stated): gnomAD exomes 0.00010 and 0.00008; ExAC 0.00007; ESP Exome Variant Server 0.00008; gnomAD 0.00015 and 0.00014; TOPMed 0.00018.
gnomAD v4.1: 136 of 1,614,088 alleles (0.0084%); highest among the groups gnomAD compares: Admixed American, 0.033%; no homozygotes.

Submissions (13):

GeneDx
Classification: Likely pathogenic. Last evaluated: 2026-05-28. Review status: criteria provided, single submitter. Criteria: GeneDx Variant Classification Process June 2021. Collection method: clinical testing. Allele origin: germline.
Comment: In silico analysis supports that this missense variant has a deleterious effect on protein structure/function; This variant is associated with the following publications: (PMID: 22642865, 27601257, 30626930, 32778825, 35281663, 34440436, 38146699, 29247206)

Dasa
Classification: Likely pathogenic. Last evaluated: 2026-04-21. Review status: criteria provided, single submitter. Criteria: DASA Assertion Criteria. Collection method: clinical testing. Allele origin: germline.
Comment: NM_022132.5(MCCC2):c.1423G>A (p.Gly475Arg) is a missense variant that results in the substitution of glycine with arginine. This variant has been recurrently observed in individuals with MCCC2-related disorders (PMID: 22642865; PMID: 27601257). Functional evidence supports an impact on the gene or gene product (PMID: 22642865; PMID: 27601257). Also, this variant is rare in population databases. Computational evidence supports a deleterious effect. Based on the currently available evidence, this variant is classified as likely pathogenic.

Labcorp Genetics (formerly Invitae), Labcorp
Classification: Pathogenic for 3-methylcrotonyl-CoA carboxylase 2 deficiency. Last evaluated: 2025-12-23. Review status: criteria provided, single submitter. Criteria: Invitae Variant Classification Sherloc (09022015). Collection method: clinical testing. Allele origin: germline.
Comment: This sequence change replaces glycine, which is neutral and non-polar, with arginine, which is basic and polar, at codon 475 of the MCCC2 protein (p.Gly475Arg). This variant is present in population databases (rs148773718, gnomAD 0.08%). This missense change has been observed in individual(s) with clinical features of 3-methylcrotonyl-CoA carboxylase deficiency (PMID: 22642865, 27601257, 30626930; internal data). In at least one individual the data is consistent with being in trans (on the opposite chromosome) from a pathogenic variant. It has also been observed to segregate with disease in related individuals. ClinVar contains an entry for this variant (Variation ID: 467803). Invitae Evidence Modeling of protein sequence and biophysical properties (such as structural, functional, and spatial information, amino acid conservation, physicochemical variation, residue mobility, and thermodynamic stability) indicates that this missense variant is expected to disrupt MCCC2 protein function with a positive predictive value of 80%. Experimental studies have shown that this missense change affects MCCC2 function (PMID: 22642865). For these reasons, this variant has been classified as Pathogenic.

Natera, Inc.
Classification: Likely pathogenic for 3-methylcrotonyl-CoA carboxylase 2 deficiency. Last evaluated: 2025-11-03. Review status: criteria provided, single submitter. Criteria: Natera Variant Classification Schema (03/2026). Collection method: clinical testing. Allele origin: germline.
Comment: The c.1423G>A variant in MCCC2 is a missense variant predicted to cause substitution of glycine to arginine at amino acid 475. This variant is rare in the general population with a frequency below the threshold expected for the associated phenotype(s). This variant has been observed in one or more individuals affected with the associated recessive disease, as either homozygous or compound heterozygous with a second variant (PMID: 34440436, 22642865, 35281663). This variant has been identified in one or more affected individuals with a phenotype highly consistent with the associated gene (PMID:34440436). Computational prediction algorithms indicate this variant is likely to affect gene or protein function. Given the available evidence, this variant is classified as Likely Pathogenic.

Genomic Medicine Center of Excellence, King Faisal Specialist Hospital and Research Centre
Classification: Pathogenic for 3-methylcrotonyl-CoA carboxylase 2 deficiency. Last evaluated: 2025-09-10. Review status: criteria provided, single submitter. Criteria: ACMG Guidelines, 2015. Collection method: clinical testing. Allele origin: germline.

Ambry Genetics
Classification: Likely pathogenic for Inborn genetic diseases. Last evaluated: 2025-07-16. Review status: criteria provided, single submitter. Criteria: Ambry Variant Classification Scheme 2023. Collection method: clinical testing. Allele origin: germline.
Comment: The c.1423G>A (p.G475R) alteration is located in exon 15 (coding exon 15) of the MCCC2 gene. This alteration results from a G to A substitution at nucleotide position 1423, causing the glycine (G) at amino acid position 475 to be replaced by an arginine (R). Based on data from gnomAD, the A allele has an overall frequency of 0.01% (27/282790) total alleles studied. The highest observed frequency was 0.08% (8/10368) of Ashkenazi Jewish alleles. This alteration has been detected in the homozygous state as well as compound heterozygous with other pathogenic MCCC2 alterations in multiple unrelated individuals with 3-methylcrotonyl-CoA carboxylase deficiency (Grunert, 2012; Fonseca, 2016; Boemer, 2017; Navarrette, 2019; Martin-Rivada, 2022). This amino acid position is highly conserved in available vertebrate species. Functional studies showed that p.G475R is not sufficient to rescue MCC deficiency in two different MCC-deficient fibroblast cell lines (Grunert, 2012). This alteration is predicted to be deleterious by in silico analysis. Based on the available evidence, this alteration is classified as likely pathogenic.

Fulgent Genetics
Classification: Likely pathogenic for 3-methylcrotonyl-CoA carboxylase 2 deficiency. Last evaluated: 2024-06-12. Review status: criteria provided, single submitter. Criteria: ACMG Guidelines, 2015. Collection method: clinical testing. Allele origin: germline.

Women's Health and Genetics/Laboratory Corporation of America, LabCorp
Classification: Likely pathogenic for Methylcrotonyl-CoA carboxylase deficiency. Last evaluated: 2023-03-18. Review status: criteria provided, single submitter. Criteria: LabCorp Variant Classification Summary - May 2015. Collection method: clinical testing. Allele origin: germline.
Comment: Variant summary: MCCC2 c.1423G>A (p.Gly475Arg) results in a non-conservative amino acid change located in the Acetyl-coenzyme A carboxyltransferase, C-terminal domain (IPR011763) of the encoded protein sequence. Five of five in-silico tools predict a damaging effect of the variant on protein function. The variant allele was found at a frequency of 9.5e-05 in 251378 control chromosomes (gnomAD). This frequency is not significantly higher than estimated for a pathogenic variant in MCCC2 causing Methylcrotonyl-CoA Carboxylase Deficiency (9.5e-05 vs 0.0042), allowing no conclusion about variant significance. c.1423G>A has been reported in the literature in compound heterozygous individuals and at least one homozygous individual affected with Methylcrotonyl-CoA Carboxylase Deficiency (e.g. Navarrete_2019, Barbosa-Gouveia_2021). These data indicate that the variant is likely to be associated with disease. At least one functional study showed this variant results in decreased MCC activity in transfected cells compared with WT (Grunert_2012). Five ClinVar submitters have assessed the variant since 2014: three classified the variant as likely pathogenic and two as pathogenic. Based on the evidence outlined above, the variant was classified as likely pathogenic.

Blueprint Genetics
Classification: Uncertain significance. Last evaluated: 2022-08-01. Review status: criteria provided, single submitter. Criteria: ACMG Guidelines, 2015. Collection method: clinical testing. Allele origin: germline.

Knight Diagnostic Laboratories, Oregon Health and Sciences University
Classification: Pathogenic for 3-methylcrotonyl-coa carboxylase 2 deficiency. Last evaluated: 2019-05-20. Review status: criteria provided, single submitter. Criteria: ACMG Guidelines, 2015. Collection method: clinical testing. Allele origin: germline. Observed: 1 variant allele.

Illumina Laboratory Services, Illumina
Classification: Likely pathogenic for 3-methylcrotonyl-CoA carboxylase 2 deficiency. Last evaluated: 2017-08-15. Review status: criteria provided, single submitter. Criteria: ICSL Variant Classification Criteria 09 May 2019. Collection method: clinical testing. Allele origin: germline.
Comment: The MCCC2 c.1423G>A (p.Gly475Arg) missense variant has been reported in two studies and in three individuals with 3-MCC deficiency, including one in a homozygous state and two in a compound heterozygous state (GrÃ¼nert et al. 2012; Fonseca et al. 2016). The three individuals were asymptomatic and identified by newborn screening. The p.Gly475Arg variant was absent from 100 controls and is reported at a frequency of 0.00079 in the Ashkenazi Jewish population of the Genome Aggregation Database. Expression of wild type and variant p.Gly475Arg in MCCC1/MCCC2 deficient fibroblasts revealed that the variant p.Gly475Arg protein is expressed at a level similar to wild type but has 43.8%-48.5% residual MCC activity compared to wild type (GrÃ¼nert et al. 2012). Based on the evidence, the p.Gly475Arg variant is classified as likely pathogenic for 3-MCC deficiency. This variant was observed by ICSL as part of a predisposition screen in an ostensibly healthy population.

Clinical Genetics Service, Universitary Hospital 12 de Octubre
Classification: Likely pathogenic for 3-methylcrotonyl-CoA carboxylase 2 deficiency. Review status: criteria provided, single submitter. Criteria: ACMG Guidelines, 2015. Collection method: clinical testing. Allele origin: germline. Affected: yes.

PreventionGenetics, part of Exact Sciences
Classification: Likely pathogenic for MCCC2-related condition. Last evaluated: 2024-02-09. Review status: no assertion criteria provided. Collection method: clinical testing. Allele origin: germline. Not counted in ClinVar's aggregate classification.
Comment: The MCCC2 c.1423G>A variant is predicted to result in the amino acid substitution p.Gly475Arg. This variant has been reported in the compound heterozygous and homozygous states in multiple individuals with MCC deficiency (Grünert et al. 2012. PubMed ID: 22642865; Fonseca et al. 2016. PubMed ID: 27601257; Navarrete et al. 2019. PubMed ID: 30626930; Barbosa-Gouveia et al. 2021. PubMed ID: 34440436). In vitro experimental studies have shown this variant leads to moderately reduced MCC activity (43.8-48.5%) relative to WT (Grünert et al. 2012. PubMed ID: 22642865). This variant is reported in 0.077% of alleles in individuals of Ashkenazi Jewish descent in gnomAD. This variant is interpreted as likely pathogenic.

Literature cited by the submitters: PubMed 22642865 (cited by 6 submitters); PubMed 27601257 (cited by 5 submitters); PubMed 30626930 (cited by 3 submitters); PubMed 34440436 (cited by Natera, Inc. and Women's Health and Genetics/Laboratory Corporation of America, LabCorp); PubMed 35281663 (cited by Natera, Inc. and Ambry Genetics); PubMed 29247206 (cited by Ambry Genetics and Women's Health and Genetics/Laboratory Corporation of America, LabCorp); PubMed 32778825 (cited by Women's Health and Genetics/Laboratory Corporation of America, LabCorp).